The following is an entry in ClinVar:

ClinVar aggregate classification (germline): Uncertain significance (1 of 4 stars; one submission).

Allele frequency attached by ClinVar (database versions not stated): TOPMed 0.00001.
gnomAD v4.1: 23 of 1,613,512 alleles (0.0014%); highest among the groups gnomAD compares: Admixed American, 0.01%; no homozygotes.

Submission:

Labcorp Genetics (formerly Invitae), Labcorp
Classification: Uncertain significance. Last evaluated: 2024-10-15. Review status: criteria provided, single submitter. Criteria: Invitae Variant Classification Sherloc (09022015). Collection method: clinical testing. Allele origin: germline.
Comment: This sequence change replaces alanine, which is neutral and non-polar, with threonine, which is neutral and polar, at codon 109 of the DTNBP1 protein (p.Ala109Thr). This variant is present in population databases (rs774300249, gnomAD 0.01%). This variant has not been reported in the literature in individuals affected with DTNBP1-related conditions. ClinVar contains an entry for this variant (Variation ID: 1400276). Invitae Evidence Modeling of protein sequence and biophysical properties (such as structural, functional, and spatial information, amino acid conservation, physicochemical variation, residue mobility, and thermodynamic stability) indicates that this missense variant is not expected to disrupt DTNBP1 protein function with a negative predictive value of 80%. In summary, the available evidence is currently insufficient to determine the role of this variant in disease. Therefore, it has been classified as a Variant of Uncertain Significance.

NM_032122.5(DTNBP1):c.325G>A (p.Ala109Thr)

Gene: DTNBP1 (dystrobrevin binding protein 1; minus strand). Cytogenetic location: 6p22.3.
Variant type: single nucleotide variant.
Coding change: c.325G>A on transcript NM_032122.5 (MANE Select); coding-DNA position 325, G replaced by A.
Protein change: p.Ala109Thr; replaces alanine 109 with threonine.
Molecular consequence: missense variant. On other transcripts: non-coding transcript variant (1).
Genome position (GRCh38, 1-based): chr6:15,627,373, C>T on the plus strand (G>A on the coding strand, the complement: DTNBP1 is on the minus strand). VCF-style: chr6-15627373-C-T. GRCh37 (hg19) VCF-style: chr6-15627604-C-T.
Other names: c.82G>A, p.Ala28Thr (NM_001271667.2); c.274G>A, p.Ala92Thr (NM_001271668.2); c.220G>A, p.Ala74Thr (NM_001271669.2); c.325G>A, p.Ala109Thr (NM_183040.2); short protein forms A74T, A92T, A109T, A28T.
Identifiers: ClinVar variation 1400276 (VCV001400276.8), dbSNP rs774300249, ClinGen allele CA3644172.